The following is an entry in ClinVar:

ClinVar aggregate classification (germline): Uncertain significance (1 of 4 stars; one submission).

Submission:

Ambry Genetics
Classification: Uncertain significance. Last evaluated: 2025-03-29. Review status: criteria provided, single submitter. Criteria: Ambry Variant Classification Scheme 2023. Collection method: clinical testing. Allele origin: germline.
Comment: The p.V38L variant (also known as c.112G>T), located in coding exon 1 of the MC1R gene, results from a G to T substitution at nucleotide position 112. The valine at codon 38 is replaced by leucine, an amino acid with highly similar properties. This amino acid position is conserved. In addition, this alteration is predicted to be tolerated by in silico analysis. Based on the available evidence, the clinical significance of this variant remains unclear.

NM_002386.4(MC1R):c.112G>T (p.Val38Leu)

Gene: MC1R (melanocortin 1 receptor; plus strand). Cytogenetic location: 16q24.3.
Variant type: single nucleotide variant.
Coding change: c.112G>T on transcript NM_002386.4 (MANE Select); coding-DNA position 112, G replaced by T.
Protein change: p.Val38Leu; replaces valine 38 with leucine.
Molecular consequence: missense variant.
Genome position (GRCh38, 1-based): chr16:89,919,370, G>T. VCF-style: chr16-89919370-G-T. GRCh37 (hg19) VCF-style: chr16-89985778-G-T.
Other names: short protein forms V38L.
Identifiers: ClinVar variation 4052398 (VCV004052398.1).